The following is an entry in ClinVar:

ClinVar aggregate classification (germline): Conflicting classifications of pathogenicity. Review status: criteria provided, conflicting classifications (1 of 4 stars). 2 submissions from 2 submitters: Uncertain significance (1); Likely benign (1). Last evaluated 2019-12-30.

Allele frequency attached by ClinVar (database versions not stated): TOPMed 0.00001; gnomAD 0.00003.
gnomAD v4.1: 11 of 1,614,026 alleles (0.00068%); highest among the groups gnomAD compares: African/African-American, 0.0027%; no homozygotes.

Submissions (2):

Revvity Omics, Revvity
Classification: Uncertain significance. Last evaluated: 2019-12-30. Review status: criteria provided, single submitter. Criteria: ACMG Guidelines, 2015. Collection method: clinical testing. Allele origin: germline.

GeneDx
Classification: Likely benign. Last evaluated: 2018-05-02. Review status: criteria provided, single submitter. Criteria: GeneDx Variant Classification (06012015). Collection method: clinical testing. Allele origin: germline. Affected: yes.
Comment: This variant is considered likely benign or benign based on one or more of the following criteria: it is a conservative change, it occurs at a poorly conserved position in the protein, it is predicted to be benign by multiple in silico algorithms, and/or has population frequency not consistent with disease.

NM_001267550.2(TTN):c.9226A>G (p.Met3076Val)

Gene: TTN (titin; minus strand). Cytogenetic location: 2q31.2.
Variant type: single nucleotide variant.
Coding change: c.9226A>G on transcript NM_001267550.2 (MANE Select); coding-DNA position 9226, A replaced by G.
Protein change: p.Met3076Val; replaces methionine 3076 with valine.
Molecular consequence: missense variant.
Genome position (GRCh38, 1-based): chr2:178,768,093, T>C on the plus strand (A>G on the coding strand, the complement: TTN is on the minus strand). VCF-style: chr2-178768093-T-C. GRCh37 (hg19) VCF-style: chr2-179632820-T-C.
Other names: c.9226A>G, p.Met3076Val (NM_001256850.1, NM_133378.4, NM_133379.5); c.9088A>G, p.Met3030Val (NM_003319.4, NM_133432.3, NM_133437.4); short protein forms M3076V, M3030V.
Identifiers: ClinVar variation 668155 (VCV000668155.4), dbSNP rs766144077, ClinGen allele CA2004399.
Genomic context (GRCh38, chr2:178,768,093, plus strand): 5'-CCTGGTCATCTTTCATCCACTGTACAGTGATGTCAGGTTCAGAAACTTCACATTCAAACA[T>C]GGCTCGCTTCTTCTCCAGTACCTTAATGTCCTTAATGTGTTTCCTAAATTCTATATGACG-3'
Protein context (NP_001254479.2, residues 3066-3086): DIKVLEKKRA[Met3076Val]FECEVSEPDI